The following is an entry in ClinVar:

ClinVar aggregate classification (germline): Uncertain significance (1 of 4 stars; one submission).

Conditions:
Inborn genetic diseases. Identifiers: MedGen C0950123, MeSH D030342.

Submission:

Ambry Genetics
Classification: Uncertain significance for Inborn genetic diseases. Last evaluated: 2024-06-12. Review status: criteria provided, single submitter. Criteria: Ambry Variant Classification Scheme 2023. Collection method: clinical testing. Allele origin: germline.
Comment: The p.A6V variant (also known as c.17C>T), located in coding exon 1 of the MDH2 gene, results from a C to T substitution at nucleotide position 17. The alanine at codon 6 is replaced by valine, an amino acid with similar properties. This amino acid position is conserved. In addition, this alteration is predicted to be tolerated by in silico analysis. Based on the available evidence, the clinical significance of this variant remains unclear.

NM_005918.4(MDH2):c.17C>T (p.Ala6Val)

Gene: MDH2 (malate dehydrogenase 2; plus strand). Cytogenetic location: 7q11.23.
Variant type: single nucleotide variant.
Coding change: c.17C>T on transcript NM_005918.4 (MANE Select); coding-DNA position 17, C replaced by T.
Protein change: p.Ala6Val; replaces alanine 6 with valine.
Molecular consequence: missense variant. On other transcripts: 5 prime UTR variant (1), non-coding transcript variant (1).
Genome position (GRCh38, 1-based): chr7:76,048,177, C>T. VCF-style: chr7-76048177-C-T. GRCh37 (hg19) VCF-style: chr7-75677495-C-T.
Other names: c.17C>T, p.Ala6Val (NM_001282403.2); c.-136C>T (NM_001282404.2); short protein forms A6V.
Identifiers: ClinVar variation 3293838 (VCV003293838.1).
Genomic context (GRCh38, chr7:76,048,177, plus strand): 5'-ACCAGCTCCTGTGCCTGCCAGTCGGTGCCCCTCCCGCTCCAGCCATGCTCTCCGCCCTCG[C>T]CCGGCCTGCCAGCGCTGCTCTCCGCCGCAGCTTCAGCACCTCGGCCCAGGTAGGCCAGAC-3'
Protein context (NP_005909.2, residues 1-16): MLSAL[Ala6Val]RPASAALRRS